The following is an entry in ClinVar:

NM_005263.5(GFI1):c.571G>A (p.Ala191Thr)

Gene: GFI1 (growth factor independent 1 transcriptional repressor; minus strand). Cytogenetic location: 1p22.1.
Variant type: single nucleotide variant.
Coding change: c.571G>A on transcript NM_005263.5 (MANE Select); coding-DNA position 571, G replaced by A.
Protein change: p.Ala191Thr; replaces alanine 191 with threonine.
Molecular consequence: missense variant.
Genome position (GRCh38, 1-based): chr1:92,480,816, C>T on the plus strand (G>A on the coding strand, the complement: GFI1 is on the minus strand). VCF-style: chr1-92480816-C-T. GRCh37 (hg19) VCF-style: chr1-92946373-C-T.
Other names: c.571G>A, p.Ala191Thr (NM_001127215.3, NM_001127216.3); short protein forms A191T.
Identifiers: ClinVar variation 840484 (VCV000840484.11), dbSNP rs1426616222, ClinGen allele CA341149569.

ClinVar aggregate classification (germline): Uncertain significance. Review status: criteria provided, multiple submitters, no conflicts (2 of 4 stars). 3 submissions from 3 submitters: Uncertain significance (3). Last evaluated 2025-10-01.

Conditions:
Neutropenia, severe congenital, 2, autosomal dominant. Identifiers: Orphanet 486, MedGen C2751288, MONDO:0013139, OMIM 613107.

Allele frequency attached by ClinVar (database versions not stated): TOPMed below 0.00001; gnomAD exomes 0.00001 and 0.00002; gnomAD 0.00004.

Submissions (3):

Labcorp Genetics (formerly Invitae), Labcorp
Classification: Uncertain significance for Neutropenia, severe congenital, 2, autosomal dominant. Last evaluated: 2025-10-01. Review status: criteria provided, single submitter. Criteria: Invitae Variant Classification Sherloc (09022015). Collection method: clinical testing. Allele origin: germline.
Comment: This sequence change replaces alanine, which is neutral and non-polar, with threonine, which is neutral and polar, at codon 191 of the GFI1 protein (p.Ala191Thr). This variant is present in population databases (no rsID available, gnomAD 0.01%). This variant has not been reported in the literature in individuals affected with GFI1-related conditions. ClinVar contains an entry for this variant (Variation ID: 840484). Invitae Evidence Modeling of protein sequence and biophysical properties (such as structural, functional, and spatial information, amino acid conservation, physicochemical variation, residue mobility, and thermodynamic stability) indicates that this missense variant is not expected to disrupt GFI1 protein function with a negative predictive value of 80%. In summary, the available evidence is currently insufficient to determine the role of this variant in disease. Therefore, it has been classified as a Variant of Uncertain Significance.

Ambry Genetics
Classification: Uncertain significance. Last evaluated: 2024-11-28. Review status: criteria provided, single submitter. Criteria: Ambry Variant Classification Scheme 2023. Collection method: clinical testing. Allele origin: germline.
Comment: The p.A191T variant (also known as c.571G>A), located in coding exon 3 of the GFI1 gene, results from a G to A substitution at nucleotide position 571. The alanine at codon 191 is replaced by threonine, an amino acid with similar properties. This amino acid position is conserved. In addition, this alteration is predicted to be tolerated by in silico analysis. Based on the available evidence, the clinical significance of this variant remains unclear.

Blueprint Genetics
Classification: Uncertain significance. Last evaluated: 2021-08-19. Review status: criteria provided, single submitter. Criteria: ACMG Guidelines, 2015. Collection method: clinical testing. Allele origin: germline.